The following is an entry in ClinVar:

ClinVar aggregate classification (germline): Uncertain significance. Review status: criteria provided, multiple submitters, no conflicts (2 of 4 stars). 2 submissions from 2 submitters: Uncertain significance (2). Last evaluated 2021-11-03.

Conditions:
Inborn genetic diseases. Identifiers: MedGen C0950123, MeSH D030342.

Submissions (2):

Institute for Clinical Genetics, University Hospital TU Dresden, University Hospital TU Dresden
Classification: Uncertain significance. Last evaluated: 2021-11-03. Review status: criteria provided, single submitter. Criteria: ACMG Guidelines, 2015. Collection method: clinical testing. Allele origin: germline.

Ambry Genetics
Classification: Uncertain significance for Inborn genetic diseases. Last evaluated: 2021-07-26. Review status: criteria provided, single submitter. Criteria: Ambry Variant Classification Scheme 2023. Collection method: clinical testing. Allele origin: germline.
Comment: The p.I230M variant (also known as c.690C>G), located in coding exon 7 of the MDH2 gene, results from a C to G substitution at nucleotide position 690. The isoleucine at codon 230 is replaced by methionine, an amino acid with highly similar properties. This amino acid position is conserved. In addition, the in silico prediction for this alteration is inconclusive. Since supporting evidence is limited at this time, the clinical significance of this alteration remains unclear.

NM_005918.4(MDH2):c.690C>G (p.Ile230Met)

Gene: MDH2 (malate dehydrogenase 2; plus strand). Cytogenetic location: 7q11.23.
Variant type: single nucleotide variant.
Coding change: c.690C>G on transcript NM_005918.4 (MANE Select); coding-DNA position 690, C replaced by G.
Protein change: p.Ile230Met; replaces isoleucine 230 with methionine.
Molecular consequence: missense variant.
Genome position (GRCh38, 1-based): chr7:76,064,395, C>G. VCF-style: chr7-76064395-C-G. GRCh37 (hg19) VCF-style: chr7-75693713-C-G.
Other names: c.564C>G, p.Ile188Met (NM_001282403.2); c.369C>G, p.Ile123Met (NM_001282404.2); short protein forms I123M, I188M, I230M.
Identifiers: ClinVar variation 1319860 (VCV001319860.5), dbSNP rs2116700329, ClinGen allele CA367767451.